The following is an entry in ClinVar:

ClinVar aggregate classification (germline): Likely benign. Review status: criteria provided, multiple submitters, no conflicts (2 of 4 stars). 3 submissions from 3 submitters: Likely benign (3). Last evaluated 2025-09-27.

Conditions:
MYO5B-related disorder. Also called: MYO5B-related condition.

Allele frequency attached by ClinVar (database versions not stated): gnomAD 0.00003 and 0.00004; gnomAD exomes 0.00005; ExAC 0.00007; ESP Exome Variant Server 0.00008.
gnomAD v4.1: 82 of 1,613,984 alleles (0.0051%); highest among the groups gnomAD compares: Middle Eastern, 0.033%; 1 homozygote.

Submissions (3):

Labcorp Genetics (formerly Invitae), Labcorp
Classification: Likely benign. Last evaluated: 2025-09-27. Review status: criteria provided, single submitter. Criteria: Invitae Variant Classification Sherloc (09022015). Collection method: clinical testing. Allele origin: germline.

PreventionGenetics, part of Exact Sciences
Classification: Likely benign for MYO5B-related condition. Last evaluated: 2025-08-26. Review status: criteria provided, single submitter. Criteria: ACMG Guidelines, 2015. Collection method: clinical testing. Allele origin: germline.
Comment: This variant is classified as likely benign based on ACMG/AMP sequence variant interpretation guidelines (Richards et al. 2015 PMID: 25741868, with internal and published modifications).

Blueprint Genetics
Classification: Likely benign. Last evaluated: 2024-08-06. Review status: criteria provided, single submitter. Criteria: ACMG Guidelines, 2015. Collection method: clinical testing. Allele origin: germline.

NM_001080467.3(MYO5B):c.4482G>A (p.Ser1494=)

Genes: MYO5B (myosin VB; minus strand), SNHG22 (small nucleolar RNA host gene 22; plus strand). Cytogenetic location: 18q21.1.
Variant type: single nucleotide variant.
Coding change: c.4482G>A on transcript NM_001080467.3 (MANE Select); coding-DNA position 4482, G replaced by A.
Protein change: p.Ser1494=; no amino-acid change (serine 1494 retained).
Molecular consequence: synonymous variant.
Genome position (GRCh38, 1-based): chr18:49,843,370, C>T on the plus strand (G>A on the coding strand, the complement: MYO5B is on the minus strand). VCF-style: chr18-49843370-C-T. GRCh37 (hg19) VCF-style: chr18-47369740-C-T.
Other names: c.4482G>A (NM_001080467.2).
Identifiers: ClinVar variation 1078608 (VCV001078608.11), dbSNP rs375102583, ClinGen allele CA8960340.